The following is an entry in ClinVar:

NM_014363.6(SACS):c.477C>A (p.Tyr159Ter)

Gene: SACS (sacsin molecular chaperone; minus strand). Cytogenetic location: 13q12.12.
Variant type: single nucleotide variant.
Coding change: c.477C>A on transcript NM_014363.6 (MANE Select); coding-DNA position 477, C replaced by A.
Protein change: p.Tyr159Ter; replaces tyrosine 159 with a stop codon.
Molecular consequence: nonsense.
Genome position (GRCh38, 1-based): chr13:23,358,462, G>T on the plus strand (C>A on the coding strand, the complement: SACS is on the minus strand). VCF-style: chr13-23358462-G-T. GRCh37 (hg19) VCF-style: chr13-23932601-G-T.
Other names: c.36C>A, p.Tyr12Ter (NM_001278055.2); short protein forms Y12*, Y159*.
Identifiers: ClinVar variation 2797023 (VCV002797023.3), dbSNP rs1870531490, ClinGen allele CA387552153.

ClinVar aggregate classification (germline): Pathogenic (1 of 4 stars; one submission).

Conditions:
Spastic paraplegia. Identifiers: MedGen C0037772, HP:0001258.

Submission:

Labcorp Genetics (formerly Invitae), Labcorp
Classification: Pathogenic for Spastic paraplegia. Last evaluated: 2023-08-01. Review status: criteria provided, single submitter. Criteria: Invitae Variant Classification Sherloc (09022015). Collection method: clinical testing. Allele origin: germline.
Comment: This sequence change creates a premature translational stop signal (p.Tyr159*) in the SACS gene. It is expected to result in an absent or disrupted protein product. Loss-of-function variants in SACS are known to be pathogenic (PMID: 18465152, 20876471). This variant is not present in population databases (gnomAD no frequency). This variant has not been reported in the literature in individuals affected with SACS-related conditions. For these reasons, this variant has been classified as Pathogenic.

Literature cited by the submitters: PubMed 18465152; PubMed 20876471.